The following is an entry in ClinVar:

ClinVar aggregate classification (germline): Uncertain significance (1 of 4 stars; one submission).

Submission:

Mayo Clinic Laboratories, Mayo Clinic
Classification: Uncertain significance. Last evaluated: 2025-02-05. Review status: criteria provided, single submitter. Criteria: ACMG Guidelines, 2015. Collection method: clinical testing. Allele origin: germline. Observed: 1 variant allele.
Comment: BP4, PP2, PM2_supporting

NM_004333.6(BRAF):c.26G>T (p.Gly9Val)

Gene: BRAF (B-Raf proto-oncogene, serine/threonine kinase; minus strand). Cytogenetic location: 7q34.
Variant type: single nucleotide variant.
Coding change: c.26G>T on transcript NM_004333.6 (MANE Select); coding-DNA position 26, G replaced by T.
Protein change: p.Gly9Val; replaces glycine 9 with valine.
Molecular consequence: missense variant.
Genome position (GRCh38, 1-based): chr7:140,924,678, C>A on the plus strand (G>T on the coding strand, the complement: BRAF is on the minus strand). VCF-style: chr7-140924678-C-A. GRCh37 (hg19) VCF-style: chr7-140624478-C-A.
Other names: p.Gly9Val; c.26G>T, p.Gly9Val (NM_001354609.2, NM_001374244.1, NM_001374258.1 and 7 more transcripts); short protein forms G9V.
Identifiers: ClinVar variation 4541338 (VCV004541338.1).